The following is an entry in ClinVar:

NM_001754.5(RUNX1):c.443C>G (p.Thr148Ser)

Genes: RUNX1 (RUNX family transcription factor 1; minus strand), RUNX1-AS1 (RUNX1 antisense RNA 1; plus strand). Cytogenetic location: 21q22.12.
Variant type: single nucleotide variant.
Coding change: c.443C>G on transcript NM_001754.5 (MANE Select); coding-DNA position 443, C replaced by G.
Protein change: p.Thr148Ser; replaces threonine 148 with serine.
Molecular consequence: missense variant.
Genome position (GRCh38, 1-based): chr21:34,880,622, G>C on the plus strand (C>G on the coding strand, the complement: RUNX1 is on the minus strand). VCF-style: chr21-34880622-G-C. GRCh37 (hg19) VCF-style: chr21-36252919-G-C.
Other names: NM_001754.5(RUNX1):c.443C>G; p.Thr148Ser; c.362C>G, p.Thr121Ser (NM_001001890.3, NM_001122607.2); short protein forms T121S, T148S.
Identifiers: ClinVar variation 1718521 (VCV001718521.7), dbSNP rs2057886829, ClinGen allele CA410202598.

ClinVar aggregate classification (germline): Uncertain significance. Review status: reviewed by expert panel (3 of 4 stars). 2 submissions from 2 submitters: Uncertain significance (1). 1 of the submissions does not count toward it. Last evaluated 2024-10-29.

Conditions:
Hereditary thrombocytopenia and hematological cancer predisposition syndrome associated with RUNX1. Also called: PLATELET DISORDER, ASPIRIN-LIKE; RUNX1 Familial Platelet Disorder with Associated Myeloid Malignancies; Familial Platelet Disorder with Propensity to Acute Myelogenous Leukemia; Familial thrombocytopenia with propensity to acute myelogenous leukemia. Identifiers: Orphanet 71290, MedGen C1832388, MeSH C563324, MONDO:0100083, OMIM 601399.
Hereditary thrombocytopenia and hematologic cancer predisposition syndrome. Identifiers: Orphanet 71290, MedGen CN281654, MONDO:0011071.

Submissions (2):

ClinGen Myeloid Malignancy Variant Curation Expert Panel
Classification: Uncertain significance for Hereditary thrombocytopenia and hematologic cancer predisposition syndrome. Last evaluated: 2024-10-29. Review status: reviewed by expert panel. Criteria: ClinGen MyeloMalig ACMG Specifications v2. Collection method: curation. Allele origin: germline. Inheritance: Autosomal dominant inheritance.
Comment: NM_001754.5(RUNX1):c.443C>G (p.Thr148Ser) is a missense variant which has a REVEL score < 0.50 (0.466) and a SpliceAI score ≤ 0.20 (0.02) (BP4). This variant affects one of the residues within the Runt Homology Domain (AA 89-204) but not in an established hotspot residue (PM1_Supporting). This variant is completely absent from all population databases with at least 20x coverage for RUNX1 (PM2_Supporting). In summary, the clinical significance of this variant is uncertain. ACMG/AMP criteria applied, as specified by the Myeloid Malignancy Variant Curation Expert Panel for RUNX1: BP4, PM1_supporting, PM2_supporting.

Labcorp Genetics (formerly Invitae), Labcorp
Classification: Uncertain significance for Hereditary thrombocytopenia and hematological cancer predisposition syndrome associated with RUNX1. Last evaluated: 2022-10-19. Review status: criteria provided, single submitter. Criteria: Invitae Variant Classification Sherloc (09022015). Collection method: clinical testing. Allele origin: germline. Not counted in ClinVar's aggregate classification.
Comment: Algorithms developed to predict the effect of missense changes on protein structure and function (SIFT, PolyPhen-2, Align-GVGD) all suggest that this variant is likely to be tolerated. This variant has not been reported in the literature in individuals affected with RUNX1-related conditions. This variant is not present in population databases (gnomAD no frequency). This sequence change replaces threonine, which is neutral and polar, with serine, which is neutral and polar, at codon 148 of the RUNX1 protein (p.Thr148Ser). In summary, the available evidence is currently insufficient to determine the role of this variant in disease. Therefore, it has been classified as a Variant of Uncertain Significance.